The following is an entry in ClinVar:

NM_004168.4(SDHA):c.1664-11T>A

Gene: SDHA (succinate dehydrogenase complex flavoprotein subunit A; plus strand). Cytogenetic location: 5p15.33.
Variant type: single nucleotide variant.
Coding change: c.1664-11T>A on transcript NM_004168.4 (MANE Select); 11 bases into the intron before coding-DNA position 1664, T replaced by A.
Molecular consequence: intron variant.
Genome position (GRCh38, 1-based): chr5:251,327, T>A. VCF-style: chr5-251327-T-A. GRCh37 (hg19) VCF-style: chr5-251442-T-A.
Other names: c.1552-3066T>A (NM_001330758.2); c.1520-11T>A (NM_001294332.2).
Identifiers: ClinVar variation 4785379 (VCV004785379.1).

ClinVar aggregate classification (germline): Uncertain significance (1 of 4 stars; one submission).

Conditions:
Mitochondrial complex II deficiency, nuclear type 1. Also called: SUCCINATE CoQ REDUCTASE DEFICIENCY. Identifiers: Orphanet 3208, MedGen C5700310, MONDO:0100294, OMIM 252011.
Pheochromocytoma/paraganglioma syndrome 5. Also called: Paragangliomas 5; SDHA-Related Hereditary Paraganglioma-Pheochromocytoma Syndrome. Identifiers: Orphanet 29072, MedGen C3279992, MONDO:0013602, OMIM 614165.

Submission:

Labcorp Genetics (formerly Invitae), Labcorp
Classification: Uncertain significance for Pheochromocytoma/paraganglioma syndrome 5; Mitochondrial complex II deficiency, nuclear type 1. Last evaluated: 2025-06-23. Review status: criteria provided, single submitter. Criteria: Invitae Variant Classification Sherloc (09022015). Collection method: clinical testing. Allele origin: germline.
Comment: This sequence change falls in intron 12 of the SDHA gene. It does not directly change the encoded amino acid sequence of the SDHA protein. This variant is not present in population databases (gnomAD no frequency). This variant has not been reported in the literature in individuals affected with SDHA-related conditions. Studies have shown that this variant is associated with altered splicing resulting in multiple RNA products (internal data). In summary, the available evidence is currently insufficient to determine the role of this variant in disease. Therefore, it has been classified as a Variant of Uncertain Significance.